The following is an entry in ClinVar:

ClinVar aggregate classification (germline): Likely benign. Review status: criteria provided, single submitter (1 of 4 stars). 2 submissions from 2 submitters: Likely benign (1). 1 of the submissions does not count toward it. Last evaluated 2018-09-21.

Conditions:
NALCN-related disorder. Also called: NALCN-related disorders; NALCN-related condition.

Allele frequency attached by ClinVar (database versions not stated): gnomAD exomes 0.00006 and 0.00009; ExAC 0.00013; gnomAD 0.00043 and 0.00046; 1000 Genomes Project 30x 0.00047; TOPMed 0.00051; 1000 Genomes Project 0.00060.
gnomAD v4.1: 151 of 1,579,136 alleles (0.0096%); highest among the groups gnomAD compares: African/African-American, 0.17%; no homozygotes.

Submissions (2):

GeneDx
Classification: Likely benign. Last evaluated: 2018-09-21. Review status: criteria provided, single submitter. Criteria: GeneDx Variant Classification Process June 2021. Collection method: clinical testing. Allele origin: germline. Affected: yes.

PreventionGenetics, part of Exact Sciences
Classification: Likely benign for NALCN-related condition. Last evaluated: 2019-05-02. Review status: no assertion criteria provided. Collection method: clinical testing. Allele origin: germline. Not counted in ClinVar's aggregate classification.
Comment: This variant is classified as likely benign based on ACMG/AMP sequence variant interpretation guidelines (Richards et al. 2015 PMID: 25741868, with internal and published modifications).

NM_052867.4(NALCN):c.2193-9T>G

Gene: NALCN (sodium leak channel, non-selective; minus strand). Cytogenetic location: 13q33.1.
Variant type: single nucleotide variant.
Coding change: c.2193-9T>G on transcript NM_052867.4 (MANE Select); 9 bases into the intron before coding-DNA position 2193, T replaced by G.
Molecular consequence: intron variant.
Genome position (GRCh38, 1-based): chr13:101,111,235, A>C on the plus strand (T>G on the coding strand, the complement: NALCN is on the minus strand). VCF-style: chr13-101111235-A-C. GRCh37 (hg19) VCF-style: chr13-101763586-A-C.
Other names: c.2106-9T>G (NM_001350751.2, NM_001350750.2); c.2193-9T>G (NM_001350749.2, NM_052867.2); c.2280-9T>G (NM_001350748.2).
Identifiers: ClinVar variation 1223707 (VCV001223707.5), dbSNP rs367983664, ClinGen allele CA7035798.